The following is an entry in ClinVar:

ClinVar aggregate classification (germline): Pathogenic (1 of 4 stars; one submission).

Conditions:
Early-infantile DEE. Also called: Ohtahara syndrome; Early infantile epileptic encephalopathy with suppression bursts; Early infantile epileptic encephalopathy. Identifiers: Orphanet 1934, MedGen C0393706, MONDO:0800491.

Submission:

Labcorp Genetics (formerly Invitae), Labcorp
Classification: Pathogenic for Early-infantile DEE. Last evaluated: 2020-09-16. Review status: criteria provided, single submitter. Criteria: Invitae Variant Classification Sherloc (09022015). Collection method: clinical testing. Allele origin: germline.
Comment: For these reasons, this variant has been classified as Pathogenic. Loss-of-function variants in SCN1A are known to be pathogenic (PMID: 17347258, 18930999). This variant has not been reported in the literature in individuals with SCN1A-related conditions. This variant is not present in population databases (ExAC no frequency). This sequence change creates a premature translational stop signal (p.Ser480*) in the SCN1A gene. It is expected to result in an absent or disrupted protein product.

Literature cited by the submitters: PubMed 17347258; PubMed 18930999.

NM_001165963.4(SCN1A):c.1439C>A (p.Ser480Ter)

Gene: SCN1A (sodium voltage-gated channel alpha subunit 1; minus strand). Cytogenetic location: 2q24.3.
Variant type: single nucleotide variant.
Coding change: c.1439C>A on transcript NM_001165963.4 (MANE Select); coding-DNA position 1439, C replaced by A.
Protein change: p.Ser480Ter; replaces serine 480 with a stop codon.
Molecular consequence: nonsense. On other transcripts: 5 prime UTR variant (1), non-coding transcript variant (1).
Genome position (GRCh38, 1-based): chr2:166,045,266, G>T on the plus strand (C>A on the coding strand, the complement: SCN1A is on the minus strand). VCF-style: chr2-166045266-G-T. GRCh37 (hg19) VCF-style: chr2-166901776-G-T.
Other names: c.1439C>A, p.Ser480Ter (NM_001165964.3, NM_001202435.3, NM_001353948.2 and 7 more transcripts); c.1436C>A, p.Ser479Ter (NM_001353954.2, NM_001353955.2, NM_001353960.2); c.-987C>A (NM_001353961.2); short protein forms S479*, S480*.
Identifiers: ClinVar variation 1072203 (VCV001072203.8), dbSNP rs2105852267, ClinGen allele CA349069791.